The following is an entry in ClinVar:

ClinVar aggregate classification (germline): Uncertain significance. Review status: criteria provided, multiple submitters, no conflicts (2 of 4 stars). 3 submissions from 3 submitters: Uncertain significance (3). Last evaluated 2024-11-18.

Conditions:
Joubert syndrome. Also called: Familial aplasia of the vermis; JOUBERT-BOLTSHAUSER SYNDROME. Identifiers: Orphanet 475, MedGen C5979921, MONDO:0018772.

Allele frequency attached by ClinVar (database versions not stated): gnomAD 0.00002; gnomAD exomes 0.00002 and 0.00004; TOPMed 0.00002; ExAC 0.00003.
gnomAD v4.1: 15 of 1,613,768 alleles (0.00093%); highest among the groups gnomAD compares: Admixed American, 0.025%; no homozygotes.

Submissions (3):

Blueprint Genetics
Classification: Uncertain significance. Last evaluated: 2024-11-18. Review status: criteria provided, single submitter. Criteria: ACMG Guidelines, 2015. Collection method: clinical testing. Allele origin: germline.

GeneDx
Classification: Uncertain significance. Last evaluated: 2024-03-21. Review status: criteria provided, single submitter. Criteria: GeneDx Variant Classification Process June 2021. Collection method: clinical testing. Allele origin: germline. Affected: yes.
Comment: In silico analysis supports that this missense variant has a deleterious effect on protein structure/function; Has not been previously published as pathogenic or benign to our knowledge; This variant is associated with the following publications: (PMID: 15467982)

Labcorp Genetics (formerly Invitae), Labcorp
Classification: Uncertain significance for Joubert syndrome. Last evaluated: 2022-10-04. Review status: criteria provided, single submitter. Criteria: Invitae Variant Classification Sherloc (09022015). Collection method: clinical testing. Allele origin: germline.
Comment: This sequence change replaces phenylalanine, which is neutral and non-polar, with cysteine, which is neutral and slightly polar, at codon 1082 of the AHI1 protein (p.Phe1082Cys). This variant is present in population databases (rs763991049, gnomAD 0.03%). This variant has not been reported in the literature in individuals affected with AHI1-related conditions. ClinVar contains an entry for this variant (Variation ID: 968689). Advanced modeling of protein sequence and biophysical properties (such as structural, functional, and spatial information, amino acid conservation, physicochemical variation, residue mobility, and thermodynamic stability) performed at Invitae indicates that this missense variant is not expected to disrupt AHI1 protein function. In summary, the available evidence is currently insufficient to determine the role of this variant in disease. Therefore, it has been classified as a Variant of Uncertain Significance.

NM_001134831.2(AHI1):c.3245T>G (p.Phe1082Cys)

Gene: AHI1 (Abelson helper integration site 1; minus strand). Cytogenetic location: 6q23.3.
Variant type: single nucleotide variant.
Coding change: c.3245T>G on transcript NM_001134831.2 (MANE Select); coding-DNA position 3245, T replaced by G.
Protein change: p.Phe1082Cys; replaces phenylalanine 1082 with cysteine.
Molecular consequence: missense variant.
Genome position (GRCh38, 1-based): chr6:135,323,245, A>C on the plus strand (T>G on the coding strand, the complement: AHI1 is on the minus strand). VCF-style: chr6-135323245-A-C. GRCh37 (hg19) VCF-style: chr6-135644383-A-C.
Other names: c.3245T>G, p.Phe1082Cys (NM_001134830.2, NM_001350503.2, NM_001350504.2 and 1 more transcripts); short protein forms F1082C.
Identifiers: ClinVar variation 968689 (VCV000968689.10), dbSNP rs763991049, ClinGen allele CA4012060.
Genomic context (GRCh38, chr6:135,323,245, plus strand): 5'-GGAAAATAACCTTCCTGTCCCTTTCCTATGCTGCCATACCACCAGTCTTCATTATCTTTG[A>C]AAAACACTCGGATAATGTCTCCGCGATGGATGGTTAGTTCATCTGATCGATTCGCTGTGT-3'
Protein context (NP_001128303.1, residues 1072-1092): IHRGDIIRVF[Phe1082Cys]KDNEDWWYGS